The following is an entry in ClinVar:

ClinVar aggregate classification (germline): Benign/Likely benign. Review status: criteria provided, multiple submitters, no conflicts (2 of 4 stars). 3 submissions from 3 submitters: Benign (1); Likely benign (2). Last evaluated 2024-12-24.

Conditions:
Ataxia-telangiectasia syndrome (AT). Also called: Ataxia-telangiectasia, complementation group D; Ataxia telangiectasia (A-T); LOUIS-BAR SYNDROME; AT, COMPLEMENTATION GROUP C; Ataxia-telangiectasia; ATAXIA-TELANGIECTASIA, COMPLEMENTATION GROUP A. Identifiers: Orphanet 100, MedGen C0004135, MONDO:0008840, OMIM 208900.
Hereditary cancer-predisposing syndrome. Also called: Hereditary neoplastic syndrome; Tumor predisposition; Neoplastic Syndromes, Hereditary; Hereditary Cancer Syndrome. Identifiers: Orphanet 140162, MedGen C0027672, MeSH D009386, MONDO:0015356.
Familial cancer of breast. Also called: Hereditary breast cancer; hereditary breast carcinoma; BREAST CANCER, FAMILIAL. Identifiers: Orphanet 227535, MedGen C0346153, MONDO:0016419, OMIM 114480. Disease mechanism: loss of function.

Submissions (3):

Labcorp Genetics (formerly Invitae), Labcorp
Classification: Likely benign for Ataxia-telangiectasia syndrome. Last evaluated: 2024-12-24. Review status: criteria provided, single submitter. Criteria: Invitae Variant Classification Sherloc (09022015). Collection method: clinical testing. Allele origin: germline.

Ambry Genetics
Classification: Likely benign for Hereditary cancer-predisposing syndrome. Last evaluated: 2024-05-11. Review status: criteria provided, single submitter. Criteria: Ambry Variant Classification Scheme 2023. Collection method: clinical testing. Allele origin: germline.

Myriad Genetics, Inc.
Classification: Benign for Familial cancer of breast. Last evaluated: 2024-05-09. Review status: criteria provided, single submitter. Criteria: Myriad Autosomal Dominant, Autosomal Recessive and X-Linked Classification Criteria (2023). Collection method: clinical testing. Allele origin: unknown.
Comment: This variant is considered benign. This variant is a silent/synonymous amino acid change and it is not expected to impact splicing.

NM_000051.4(ATM):c.2508A>G (p.Glu836=)

Gene: ATM (ATM serine/threonine kinase; plus strand). Cytogenetic location: 11q22.3.
Variant type: single nucleotide variant.
Coding change: c.2508A>G on transcript NM_000051.4 (MANE Select); coding-DNA position 2508, A replaced by G.
Protein change: p.Glu836=; no amino-acid change (glutamic acid 836 retained).
Molecular consequence: synonymous variant.
Genome position (GRCh38, 1-based): chr11:108,267,212, A>G. VCF-style: chr11-108267212-A-G. GRCh37 (hg19) VCF-style: chr11-108137939-A-G.
Other names: c.2508A>G, p.Glu836= (NM_001351834.2); c.2508A>G (NM_000051.3).
Identifiers: ClinVar variation 1112185 (VCV001112185.10), dbSNP rs2135506209, ClinGen allele CA476673544.
Genomic context (GRCh38, chr11:108,267,212, plus strand): 5'-TTGTTTCTCTTCCTTGAAGGCATCCTTCATCAAAAAGCCATTTGACCGTGGAGAAGTAGA[A>G]TCAATGGAAGATGATACTAATGGAAATCTAATGGAGGTGGAGGATCAGTCATCCATGAAT-3'
Protein context (NP_000042.3, residues 826-846): IKKPFDRGEV[Glu836=]SMEDDTNGNL